The following is an entry in ClinVar:

ClinVar aggregate classification (germline): Uncertain significance (1 of 4 stars; one submission).

Submission:

Labcorp Genetics (formerly Invitae), Labcorp
Classification: Uncertain significance. Last evaluated: 2022-08-20. Review status: criteria provided, single submitter. Criteria: Invitae Variant Classification Sherloc (09022015). Collection method: clinical testing. Allele origin: germline.
Comment: This variant, c.5797_5799del, results in the deletion of 1 amino acid(s) of the MCM3AP protein (p.Arg1933del), but otherwise preserves the integrity of the reading frame. This variant is present in population databases (no rsID available, gnomAD 0.0009%). This variant has not been reported in the literature in individuals affected with MCM3AP-related conditions. Experimental studies and prediction algorithms are not available or were not evaluated, and the functional significance of this variant is currently unknown. In summary, the available evidence is currently insufficient to determine the role of this variant in disease. Therefore, it has been classified as a Variant of Uncertain Significance.

NM_003906.5(MCM3AP):c.5797_5799del (p.Arg1933del)

Genes: MCM3AP (minichromosome maintenance complex component 3 associated protein; minus strand), MCM3AP-AS1 (MCM3AP antisense RNA 1; plus strand). Cytogenetic location: 21q22.3.
Variant type: Deletion.
Coding change: c.5797_5799del on transcript NM_003906.5 (MANE Select); coding-DNA positions 5797 to 5799, 3 bases deleted (AGG; older notation c.5797_5799delAGG).
Protein change: p.Arg1933del; deletes arginine 1933.
Molecular consequence: inframe deletion.
Genome position (GRCh38, 1-based): chr21:46,235,412-46,235,414, CCT deleted on the plus strand (AGG on the coding strand, the reverse complement: MCM3AP is on the minus strand); deleting any 3 consecutive bases within chr21:46,235,412-46,235,415 gives the same sequence; the c. name uses the placement nearest the transcript's 3' end. VCF-style (leftmost placement, unchanged base first): chr21-46235411-CCCT-C. GRCh37 (hg19) VCF-style: chr21-47655325-CCCT-C.
Other names: short protein forms R1933del.
Identifiers: ClinVar variation 1998555 (VCV001998555.4), dbSNP rs1178197452, ClinGen allele CA638194669.